The following is an entry in ClinVar:

ClinVar aggregate classification (germline): Uncertain significance (1 of 4 stars; one submission).

Conditions:
Autosomal dominant hypocalcemia 1 (HYPOC1). Also called: HYPOCALCEMIA, FAMILIAL. Identifiers: MedGen C3715128, MONDO:0011013, OMIM 601198.
Familial hypocalciuric hypercalcemia (FHH). Also called: Familial benign hypercalcemia. Identifiers: Orphanet 405, MedGen C1809471, MONDO:0018458.

Submission:

Labcorp Genetics (formerly Invitae), Labcorp
Classification: Uncertain significance for Familial hypocalciuric hypercalcemia; Autosomal dominant hypocalcemia 1. Last evaluated: 2023-12-01. Review status: criteria provided, single submitter. Criteria: Invitae Variant Classification Sherloc (09022015). Collection method: clinical testing. Allele origin: germline.
Comment: This sequence change replaces cysteine, which is neutral and slightly polar, with tryptophan, which is neutral and slightly polar, at codon 585 of the CASR protein (p.Cys585Trp). This variant is not present in population databases (gnomAD no frequency). This variant has not been reported in the literature in individuals affected with CASR-related conditions. An algorithm developed to predict the effect of missense changes on protein structure and function (PolyPhen-2) suggests that this variant is likely to be disruptive. In summary, the available evidence is currently insufficient to determine the role of this variant in disease. Therefore, it has been classified as a Variant of Uncertain Significance.

NM_000388.4(CASR):c.1755C>G (p.Cys585Trp)

Gene: CASR (calcium sensing receptor; plus strand). Cytogenetic location: 3q21.1.
Variant type: single nucleotide variant.
Coding change: c.1755C>G on transcript NM_000388.4 (MANE Select); coding-DNA position 1755, C replaced by G.
Protein change: p.Cys585Trp; replaces cysteine 585 with tryptophan.
Molecular consequence: missense variant.
Genome position (GRCh38, 1-based): chr3:122,283,709, C>G. VCF-style: chr3-122283709-C-G. GRCh37 (hg19) VCF-style: chr3-122002556-C-G.
Other names: c.1785C>G, p.Cys595Trp (NM_001178065.2); short protein forms C585W, C595W.
Identifiers: ClinVar variation 2954356 (VCV002954356.3), dbSNP rs2473276080, ClinGen allele CA354157176.